The following is an entry in ClinVar:

ClinVar aggregate classification (germline): Conflicting classifications of pathogenicity. Review status: criteria provided, conflicting classifications (1 of 4 stars). 2 submissions from 2 submitters: Uncertain significance (1); Likely benign (1). Last evaluated 2024-10-01.

Conditions:
Hereditary cancer-predisposing syndrome. Also called: Hereditary neoplastic syndrome; Neoplastic Syndromes, Hereditary; Tumor predisposition; Hereditary Cancer Syndrome. Identifiers: Orphanet 140162, MedGen C0027672, MeSH D009386, MONDO:0015356.

Submissions (2):

CeGaT Center for Human Genetics Tuebingen
Classification: Uncertain significance. Last evaluated: 2024-10-01. Review status: criteria provided, single submitter. Criteria: CeGaT Center For Human Genetics Tuebingen Variant Classification Criteria Version 2. Collection method: clinical testing. Allele origin: germline. Affected: yes. Observed: 1 variant allele.
Comment: PTCH1: PM2:Supporting, BP4

Ambry Genetics
Classification: Likely benign for Hereditary cancer-predisposing syndrome. Last evaluated: 2022-06-24. Review status: criteria provided, single submitter. Criteria: Ambry Variant Classification Scheme 2023. Collection method: clinical testing. Allele origin: germline.

NM_000264.5(PTCH1):c.1017G>A (p.Glu339=)

Gene: PTCH1 (patched 1; minus strand). Cytogenetic location: 9q22.32.
Variant type: single nucleotide variant.
Coding change: c.1017G>A on transcript NM_000264.5 (MANE Select); coding-DNA position 1017, G replaced by A.
Protein change: p.Glu339=; no amino-acid change (glutamic acid 339 retained).
Molecular consequence: synonymous variant. On other transcripts: non-coding transcript variant (1).
Genome position (GRCh38, 1-based): chr9:95,480,019, C>T on the plus strand (G>A on the coding strand, the complement: PTCH1 is on the minus strand). VCF-style: chr9-95480019-C-T. GRCh37 (hg19) VCF-style: chr9-98242301-C-T.
Other names: c.819G>A, p.Glu273= (NM_001083602.3); c.1014G>A, p.Glu338= (NM_001083603.3); c.564G>A, p.Glu188= (NM_001083604.3, NM_001083605.3, NM_001083606.3 and 1 more transcripts); c.1017G>A, p.Glu339= (NM_001354918.2).
Identifiers: ClinVar variation 1748062 (VCV001748062.16), dbSNP rs2118391142, ClinGen allele CA466123198.
Genomic context (GRCh38, chr9:95,480,019, plus strand): 5'-GCTGGCTTACCTGACGAGTTTTCCAGTGCTGTTCTTGACTGTGCCACCCACAATCAACTC[C>T]TCCTGCCAGTGCATATACTTTCTGGATAAGCCATGACATCCACCATTCAAAACAAGGGCC-3'
Protein context (NP_000255.2, residues 329-349): GLSRKYMHWQ[Glu339=]ELIVGGTVKN